The following is an entry in ClinVar:

NM_018341.3(ERMARD):c.1172T>G (p.Leu391Arg)

Gene: ERMARD (ER membrane associated RNA degradation; plus strand). Cytogenetic location: 6q27.
Variant type: single nucleotide variant.
Coding change: c.1172T>G on transcript NM_018341.3 (MANE Select); coding-DNA position 1172, T replaced by G.
Protein change: p.Leu391Arg; replaces leucine 391 with arginine.
Molecular consequence: missense variant.
Genome position (GRCh38, 1-based): chr6:169,769,652, T>G. VCF-style: chr6-169769652-T-G. GRCh37 (hg19) VCF-style: chr6-170169748-T-G.
Other names: c.1172T>G, p.Leu391Arg (NM_001278531.2, NM_001278533.2); c.794T>G, p.Leu265Arg (NM_001278532.2); c.764T>G, p.Leu255Arg (NM_001410957.1); c.1172T>G (NM_018341.2); short protein forms L255R, L391R, L265R.
Identifiers: ClinVar variation 3090292 (VCV003090292.2), dbSNP rs776104892, ClinGen allele CA4106146.
Genomic context (GRCh38, chr6:169,769,652, plus strand): 5'-ATTTAAGCCACGGGGAGATCAACTTACATGAATTTTCAAAAGAAACAACTAATCAGTTGC[T>G]TGCATTTTCTCTTGTACTGCTACTCAGATTCGTTGATGACTGTCTGCTATCAGTTTTTAA-3'
Protein context (NP_060811.1, residues 381-401): EFSKETTNQL[Leu391Arg]AFSLVLLLRF

ClinVar aggregate classification (germline): Uncertain significance. Review status: criteria provided, single submitter (1 of 4 stars). 2 submissions from 2 submitters: Uncertain significance (1). 1 of the submissions does not count toward it. Last evaluated 2023-11-22.

Conditions:
ERMARD-related disorder. Also called: ERMARD-related condition.

Allele frequency attached by ClinVar (database versions not stated): TOPMed 0.00001; ExAC 0.00002; gnomAD 0.00002; gnomAD exomes 0.00009.
gnomAD v4.1: 133 of 1,612,936 alleles (0.0082%); highest among the groups gnomAD compares: Non-Finnish European, 0.011%; no homozygotes.

Submissions (2):

Ambry Genetics
Classification: Uncertain significance. Last evaluated: 2023-11-22. Review status: criteria provided, single submitter. Criteria: Ambry Variant Classification Scheme 2023. Collection method: clinical testing. Allele origin: germline.

PreventionGenetics, part of Exact Sciences
Classification: Uncertain significance for ERMARD-related condition. Last evaluated: 2024-03-11. Review status: no assertion criteria provided. Collection method: clinical testing. Allele origin: germline. Not counted in ClinVar's aggregate classification.
Comment: The ERMARD c.1172T>G variant is predicted to result in the amino acid substitution p.Leu391Arg. To our knowledge, this variant has not been reported in the literature. This variant is reported in 0.0039% of alleles in individuals of European (Non-Finnish) descent in gnomAD. At this time, the clinical significance of this variant is uncertain due to the absence of conclusive functional and genetic evidence.